The following is an entry in ClinVar:

NM_001165963.4(SCN1A):c.4972_4973delinsTA (p.Thr1658Ter)

Genes: SCN1A (sodium voltage-gated channel alpha subunit 1; minus strand), LOC102724058 (uncharacterized LOC102724058; plus strand). Cytogenetic location: 2q24.3.
Variant type: Indel.
Coding change: c.4972_4973delinsTA on transcript NM_001165963.4 (MANE Select); coding-DNA positions 4972 to 4973, AC replaced by TA.
Protein change: p.Thr1658Ter; replaces threonine 1658 with a stop codon.
Molecular consequence: nonsense. On other transcripts: non-coding transcript variant (1).
Genome position (GRCh38, 1-based): chr2:165,992,302-165,992,303, GT replaced by TA on the plus strand (AC replaced by TA on the coding strand, the reverse complement: SCN1A is on the minus strand). VCF-style: chr2-165992302-GT-TA. GRCh37 (hg19) VCF-style: chr2-166848812-GT-TA.
Other names: c.4888_4889delinsTA, p.Thr1630Ter (NM_001165964.3, NM_001353957.2, NM_001353958.2); c.4972_4973delinsTA, p.Thr1658Ter (NM_001202435.3, NM_001353948.2); c.4939_4940delinsTA, p.Thr1647Ter (NM_001353949.2, NM_001353950.2, NM_001353951.2 and 2 more transcripts); c.4936_4937delinsTA, p.Thr1646Ter (NM_001353954.2, NM_001353955.2); c.4885_4886delinsTA, p.Thr1629Ter (NM_001353960.2); c.2530_2531delinsTA, p.Thr844Ter (NM_001353961.2); short protein forms T1629*, T1630*, T1646*, T1647*, T1658*, T844*.
Identifiers: ClinVar variation 1710072 (VCV001710072.2), dbSNP rs2468339798, ClinGen allele CA2580064436.
Genomic context (GRCh38, chr2:165,992,302, plus strand): 5'-AAGAGTAGGAGGCCGATGTTAAACAACGCAGGAAGGGACATCATCAAAGCAAAGAGCAGC[GT>TA]GCGGATCCCCTTTGCTCCTTTGATCAGACGTAGGATTCGGCCAATCCTAGCAAGACGGAT-3'

ClinVar aggregate classification (germline): Likely pathogenic (1 of 4 stars; one submission).

Conditions:
Severe myoclonic epilepsy in infancy (DRVT). Also called: Epileptic encephalopathy, early infantile, 6 (Dravet syndrome); Dravet syndrome; SEVERE MYOCLONIC EPILEPSY OF INFANCY; DEVELOPMENTAL AND EPILEPTIC ENCEPHALOPATHY 6A; Severe Myoclonic Epilepsy in Infancy (SMEI). Identifiers: Orphanet 33069, MedGen C0751122, MONDO:0100135, OMIM 607208.

Submission:

MGZ Medical Genetics Center
Classification: Likely pathogenic for Severe myoclonic epilepsy in infancy. Last evaluated: 2021-11-04. Review status: criteria provided, single submitter. Criteria: ACMG Guidelines, 2015. Collection method: clinical testing. Allele origin: germline. Affected: yes. Observed: 1 variant allele.
Comment: ACMG criteria applied: PVS1, PM2_SUP